The following is an entry in ClinVar:

NM_017635.5(KMT5B):c.2494T>C (p.Ser832Pro)

Gene: KMT5B (lysine methyltransferase 5B; minus strand). Cytogenetic location: 11q13.2.
Variant type: single nucleotide variant.
Coding change: c.2494T>C on transcript NM_017635.5 (MANE Select); coding-DNA position 2494, T replaced by C.
Protein change: p.Ser832Pro; replaces serine 832 with proline.
Molecular consequence: missense variant.
Genome position (GRCh38, 1-based): chr11:68,157,852, A>G on the plus strand (T>C on the coding strand, the complement: KMT5B is on the minus strand). VCF-style: chr11-68157852-A-G. GRCh37 (hg19) VCF-style: chr11-67925319-A-G.
Other names: c.1978T>C, p.Ser660Pro (NM_001300907.1, NM_001369428.1, NM_001369429.1 and 4 more transcripts); c.1774T>C, p.Ser592Pro (NM_001300908.2); c.2494T>C, p.Ser832Pro (NM_001369426.1); short protein forms S592P, S660P, S832P.
Identifiers: ClinVar variation 4882624 (VCV004882624.2).
Genomic context (GRCh38, chr11:68,157,852, plus strand): 5'-GAGGAATAAAATCGTCTTCAAAGTCATCATCATAGTCATCCTCCTCTTCATCGCCCTCAG[A>G]AGAGGAGGAATCATCTGTACTTTCTTCCTCATACTGACTATAGTCATCCACCTCCATTCG-3'
Protein context (NP_060105.3, residues 822-842): EEESTDDSSS[Ser832Pro]EGDEEEDDYD

ClinVar aggregate classification (germline): Uncertain significance (1 of 4 stars; one submission).

Conditions:
Intellectual developmental disorder, autosomal dominant 51. Also called: MENTAL RETARDATION, AUTOSOMAL DOMINANT 51; Intellectual disability, autosomal dominant 51. Identifiers: Orphanet 684226, MedGen C4540474, MONDO:0030917, OMIM 617788.

Submission:

Dasa
Classification: Uncertain significance for Intellectual developmental disorder, autosomal dominant 51. Last evaluated: 2024-10-15. Review status: criteria provided, single submitter. Criteria: DASA Assertion Criteria. Collection method: clinical testing. Allele origin: germline.
Comment: NM_017635.5(KMT5B):c.2494T>C (p.Ser832Pro) is a missense variant that results in the substitution of serine with proline. This variant is absent from population databases. Computational prediction algorithms are consistent with a benign effect. The currently available literature and clinical evidence are not sufficient to establish a definitive association between this variant and the reported condition. Therefore, this variant is classified as a variant of uncertain significance.